The following is an entry in ClinVar:

NM_001378454.1(ALMS1):c.1969C>T (p.Gln657Ter)

Gene: ALMS1 (ALMS1 centrosome and basal body associated protein; plus strand). Cytogenetic location: 2p13.1.
Variant type: single nucleotide variant.
Coding change: c.1969C>T on transcript NM_001378454.1 (MANE Select); coding-DNA position 1969, C replaced by T.
Protein change: p.Gln657Ter; replaces glutamine 657 with a stop codon.
Molecular consequence: nonsense.
Genome position (GRCh38, 1-based): chr2:73,448,496, C>T. VCF-style: chr2-73448496-C-T. GRCh37 (hg19) VCF-style: chr2-73675623-C-T.
Other names: c.1972C>T, p.Gln658Ter (NM_015120.4); short protein forms Q658*, Q657*.
Identifiers: ClinVar variation 2153602 (VCV002153602.4), dbSNP rs1371488235, ClinGen allele CA347266006.
Genomic context (GRCh38, chr2:73,448,496, plus strand): 5'-CCAGAGAGTAACTTAACCGAAGAGCCTTTGGAAGTTTCAGCTGCTCCTGGCCCAGTGGAG[C>T]AGAAGACGGGAATACCTACAGTATCCTCTACATCCCACTCACATGTAGAGGACCTCCTCT-3'

ClinVar aggregate classification (germline): Pathogenic (1 of 4 stars; one submission).

Conditions:
Alstrom syndrome (ALMS). Identifiers: Orphanet 64, MedGen C0268425, MONDO:0008763, OMIM 203800.

Submission:

Labcorp Genetics (formerly Invitae), Labcorp
Classification: Pathogenic for Alstrom syndrome. Last evaluated: 2022-08-05. Review status: criteria provided, single submitter. Criteria: Invitae Variant Classification Sherloc (09022015). Collection method: clinical testing. Allele origin: germline.
Comment: This sequence change creates a premature translational stop signal (p.Gln658*) in the ALMS1 gene. It is expected to result in an absent or disrupted protein product. Loss-of-function variants in ALMS1 are known to be pathogenic (PMID: 17594715). This variant is not present in population databases (gnomAD no frequency). For these reasons, this variant has been classified as Pathogenic. This variant has not been reported in the literature in individuals affected with ALMS1-related conditions.

Literature cited by the submitters: PubMed 17594715.